The following is an entry in ClinVar:

NM_033380.3(COL4A5):c.3731G>A (p.Gly1244Asp)

Gene: COL4A5 (collagen type IV alpha 5 chain; plus strand). Cytogenetic location: Xq22.3.
Variant type: single nucleotide variant.
Coding change: c.3731G>A on transcript NM_033380.3 (MANE Select); coding-DNA position 3731, G replaced by A.
Protein change: p.Gly1244Asp; replaces glycine 1244 with aspartic acid.
Molecular consequence: missense variant.
Genome position (GRCh38, 1-based): chrX:108,668,445, G>A. VCF-style: chrX-108668445-G-A. GRCh37 (hg19) VCF-style: chrX-107911675-G-A.
Other names: c.3731G>A, p.Gly1244Asp (NM_000495.5); short protein forms G1244D.
Identifiers: ClinVar variation 24678 (VCV000024678.28), dbSNP rs104886261, ClinGen allele CA258947.

ClinVar aggregate classification (germline): Pathogenic/Likely pathogenic. Review status: criteria provided, multiple submitters, no conflicts (2 of 4 stars). 6 submissions from 6 submitters: Pathogenic (5); Likely pathogenic (1). Last evaluated 2026-01-23.

Conditions:
X-linked Alport syndrome (ATS1). Also called: NEPHROPATHY AND DEAFNESS, X-LINKED; COL4A5-Related Nephropathy. Identifiers: Orphanet 63, Orphanet 88917, MedGen C4746986, MONDO:0010520, OMIM 301050.
Hematuria. Identifiers: MedGen C0018965, HP:0000790.

gnomAD v4.1: 1 of 1,208,898 alleles (0.000083%); no homozygotes.

Submissions (6):

Genetics Laboratory, Great Ormond Street Hospital NHS Foundation Trust, North Thames Genomic Laboratory Hub
Classification: Likely pathogenic for Haematuria. Last evaluated: 2026-01-23. Review status: criteria provided, single submitter. Criteria: ACGS Best Practice Guidelines for Variant Classification in Rare Disease 2024 v1.2. Collection method: clinical testing. Allele origin: germline. Affected: yes.
Comment: PS4_moderate, PM2_moderate, PP3_supporting, PM1_strong

CeGaT Center for Human Genetics Tuebingen
Classification: Pathogenic. Last evaluated: 2024-08-01. Review status: criteria provided, single submitter. Criteria: CeGaT Center For Human Genetics Tuebingen Variant Classification Criteria Version 2. Collection method: clinical testing. Allele origin: germline. Affected: yes. Observed: 2 variant alleles.
Comment: COL4A5: PM1:Strong, PM2, PS4:Moderate, PP4, PS3:Supporting

Mayo Clinic Laboratories, Mayo Clinic
Classification: Pathogenic. Last evaluated: 2022-09-27. Review status: criteria provided, single submitter. Criteria: ACMG Guidelines, 2015. Collection method: clinical testing. Allele origin: germline. Observed: 1 variant allele.
Comment: PP3, PM1, PM2_supporting, PS3_supporting, PS4_moderate

Fulgent Genetics
Classification: Pathogenic for X-linked Alport syndrome. Last evaluated: 2022-03-23. Review status: criteria provided, single submitter. Criteria: ACMG Guidelines, 2015. Collection method: clinical testing. Allele origin: unknown.

Labcorp Genetics (formerly Invitae), Labcorp
Classification: Pathogenic. Last evaluated: 2022-01-07. Review status: criteria provided, single submitter. Criteria: Invitae Variant Classification Sherloc (09022015). Collection method: clinical testing. Allele origin: germline.
Comment: For these reasons, this variant has been classified as Pathogenic. Advanced modeling of protein sequence and biophysical properties (such as structural, functional, and spatial information, amino acid conservation, physicochemical variation, residue mobility, and thermodynamic stability) performed at Invitae indicates that this missense variant is expected to disrupt COL4A5 protein function. ClinVar contains an entry for this variant (Variation ID: 24678). This missense change has been observed in individuals with clinical features of Alport syndrome (PMID: 19919694; Invitae). This variant is not present in population databases (gnomAD no frequency). This sequence change replaces glycine, which is neutral and non-polar, with aspartic acid, which is acidic and polar, at codon 1244 of the COL4A5 protein (p.Gly1244Asp).

Athena Diagnostics
Classification: Pathogenic. Last evaluated: 2018-04-25. Review status: criteria provided, single submitter. Criteria: Athena Diagnostics Criteria. Collection method: clinical testing. Allele origin: germline.

Literature cited by the submitters: PubMed 11223851 (cited by Mayo Clinic Laboratories, Mayo Clinic and Athena Diagnostics); PubMed 19919694 (cited by 3 submitters); PubMed 29526710 (cited by Mayo Clinic Laboratories, Mayo Clinic).